The following is an entry in ClinVar:

ClinVar aggregate classification (germline): Uncertain significance (1 of 4 stars; one submission).

Conditions:
Congenital hyperammonemia, type I. Also called: Carbamoyl phosphate synthetase I deficiency disease; Carbamoyl-phosphate synthase I deficiency; CPS I DEFICIENCY; Carbamoyl phosphate synthetase 1 deficiency; Hyperammonemia due to carbamoyl phosphate synthetase 1 deficiency; CPS 1 deficiency. Identifiers: Orphanet 147, MedGen C4082171, MONDO:0009376, OMIM 237300.

Allele frequency attached by ClinVar (database versions not stated): gnomAD exomes below 0.00001.
gnomAD v4.1: 3 of 1,612,286 alleles (0.00019%); highest among the groups gnomAD compares: Non-Finnish European, 0.00025%; no homozygotes.

Submission:

Labcorp Genetics (formerly Invitae), Labcorp
Classification: Uncertain significance for Congenital hyperammonemia, type I. Last evaluated: 2025-04-02. Review status: criteria provided, single submitter. Criteria: Invitae Variant Classification Sherloc (09022015). Collection method: clinical testing. Allele origin: germline.
Comment: This sequence change replaces glycine, which is neutral and non-polar, with aspartic acid, which is acidic and polar, at codon 661 of the CPS1 protein (p.Gly661Asp). This variant is not present in population databases (gnomAD no frequency). This missense change has been observed in individual(s) with clinical features of carbamoyl phosphate synthetase I deficiency (internal data). ClinVar contains an entry for this variant (Variation ID: 1410538). An algorithm developed to predict the effect of missense changes on protein structure and function (PolyPhen-2) suggests that this variant is likely to be disruptive. In summary, the available evidence is currently insufficient to determine the role of this variant in disease. Therefore, it has been classified as a Variant of Uncertain Significance.

NM_001875.5(CPS1):c.1982G>A (p.Gly661Asp)

Gene: CPS1 (carbamoyl-phosphate synthase 1; plus strand). Cytogenetic location: 2q34.
Variant type: single nucleotide variant.
Coding change: c.1982G>A on transcript NM_001875.5 (MANE Select); coding-DNA position 1982, G replaced by A.
Protein change: p.Gly661Asp; replaces glycine 661 with aspartic acid.
Molecular consequence: missense variant. On other transcripts: non-coding transcript variant (2).
Genome position (GRCh38, 1-based): chr2:210,606,731, G>A. VCF-style: chr2-210606731-G-A. GRCh37 (hg19) VCF-style: chr2-211471455-G-A.
Other names: c.1982G>A, p.Gly661Asp (NM_001122633.3, NM_001369257.1); c.2015G>A, p.Gly672Asp (NM_001369256.1); short protein forms G661D, G672D.
Identifiers: ClinVar variation 1410538 (VCV001410538.8), dbSNP rs2105849848, ClinGen allele CA350438785.